The following is an entry in ClinVar:

NM_016592.5(GNAS):c.282G>A (p.Glu94=)

Genes: GNAS (GNAS complex locus; plus strand), GNAS-AS1 (GNAS antisense RNA 1; minus strand). Cytogenetic location: 20q13.32.
Variant type: single nucleotide variant.
Coding change: c.282G>A on transcript NM_016592.5 (MANE Plus Clinical); coding-DNA position 282, G replaced by A.
Protein change: p.Glu94=; no amino-acid change (glutamic acid 94 retained).
Molecular consequence: synonymous variant. On other transcripts: 5 prime UTR variant (1).
Genome position (GRCh38, 1-based): chr20:58,840,388, G>A. VCF-style: chr20-58840388-G-A. GRCh37 (hg19) VCF-style: chr20-57415443-G-A.
Other names: c.-456G>A (NM_001410912.1).
Identifiers: ClinVar variation 4873894 (VCV004873894.2).

ClinVar aggregate classification (germline): Likely benign (1 of 4 stars; one submission).

Submission:

CeGaT Center for Human Genetics Tuebingen
Classification: Likely benign. Last evaluated: 2026-04-01. Review status: criteria provided, single submitter. Criteria: CeGaT Center For Human Genetics Tuebingen Variant Classification Criteria Version 2. Collection method: clinical testing. Allele origin: germline. Affected: yes. Observed: 1 variant allele.
Comment: GNAS: PM2:Supporting, BP4, BP7